The following is an entry in ClinVar:

ClinVar aggregate classification (germline): Pathogenic/Likely pathogenic. Review status: criteria provided, multiple submitters, no conflicts (2 of 4 stars). 2 submissions from 2 submitters: Pathogenic (1); Likely pathogenic (1). Last evaluated 2023-09-24.

Conditions:
Ehlers-Danlos syndrome, dermatosparaxis type. Also called: EDS VIIC; Dermatosparaxis; Ehlers-Danlos syndrome, type VII, autosomal recessive. Identifiers: Orphanet 1901, MedGen C2700425, MONDO:0009161, OMIM 225410.

Submissions (2):

Labcorp Genetics (formerly Invitae), Labcorp
Classification: Pathogenic for Ehlers-Danlos syndrome, dermatosparaxis type. Last evaluated: 2023-09-24. Review status: criteria provided, single submitter. Criteria: Invitae Variant Classification Sherloc (09022015). Collection method: clinical testing. Allele origin: germline.
Comment: For these reasons, this variant has been classified as Pathogenic. ClinVar contains an entry for this variant (Variation ID: 1725091). This variant has not been reported in the literature in individuals affected with ADAMTS2-related conditions. This variant is not present in population databases (gnomAD no frequency). This sequence change creates a premature translational stop signal (p.Trp567*) in the ADAMTS2 gene. It is expected to result in an absent or disrupted protein product. Loss-of-function variants in ADAMTS2 are known to be pathogenic (PMID: 10417273).

Myriad Genetics, Inc.
Classification: Likely pathogenic for Ehlers-Danlos syndrome, dermatosparaxis type. Last evaluated: 2022-03-08. Review status: criteria provided, single submitter. Criteria: Myriad Women's Health Autosomal Recessive and X-Linked Classification Criteria (2021). Collection method: clinical testing. Allele origin: unknown.
Comment: NM_014244.4(ADAMTS2):c.1701G>A(W567*) is expected to be pathogenic in the context of Ehlers-Danlos syndrome type VIIC. This variant is predicted to lead to an abnormal or absent protein product due to the creation of a premature termination codon in ADAMTS2, a gene where loss-of-function variants are known to be pathogenic. Please note: this variant was assessed in the context of healthy population screening.

Literature cited by the submitters: PubMed 10417273 (cited by Labcorp Genetics (formerly Invitae), Labcorp).

NM_014244.5(ADAMTS2):c.1701G>A (p.Trp567Ter)

Gene: ADAMTS2 (ADAM metallopeptidase with thrombospondin type 1 motif 2; minus strand). Cytogenetic location: 5q35.3.
Variant type: single nucleotide variant.
Coding change: c.1701G>A on transcript NM_014244.5 (MANE Select); coding-DNA position 1701, G replaced by A.
Protein change: p.Trp567Ter; replaces tryptophan 567 with a stop codon.
Molecular consequence: nonsense.
Genome position (GRCh38, 1-based): chr5:179,139,964, C>T on the plus strand (G>A on the coding strand, the complement: ADAMTS2 is on the minus strand). VCF-style: chr5-179139964-C-T. GRCh37 (hg19) VCF-style: chr5-178566965-C-T.
Other names: short protein forms W567*.
Identifiers: ClinVar variation 1725091 (VCV001725091.5), dbSNP rs2113223246, ClinGen allele CA362428196.